The following is an entry in ClinVar:

ClinVar aggregate classification (germline): Likely pathogenic (1 of 4 stars; one submission).

Conditions:
Autosomal recessive limb-girdle muscular dystrophy type 2J (LGMDR10). Also called: Limb-girdle muscular dystrophy, type 2J; MUSCULAR DYSTROPHY, LIMB-GIRDLE, AUTOSOMAL RECESSIVE 10. Identifiers: Orphanet 140922, MedGen C1837342, MONDO:0012127, OMIM 608807.
Dilated cardiomyopathy 1G (CMD1G). Identifiers: Orphanet 154, MedGen C1858763, MONDO:0011400, OMIM 604145.

Submission:

Labcorp Genetics (formerly Invitae), Labcorp
Classification: Likely pathogenic for Dilated cardiomyopathy 1G; Autosomal recessive limb-girdle muscular dystrophy type 2J. Last evaluated: 2025-05-15. Review status: criteria provided, single submitter. Criteria: Invitae Variant Classification Sherloc (09022015). Collection method: clinical testing. Allele origin: germline.
Comment: This sequence change creates a premature translational stop signal (p.Asp19584Ilefs*14) in the TTN gene. While this is not anticipated to result in nonsense mediated decay, it is expected to create a truncated TTN protein. This variant is not present in population databases (gnomAD no frequency). This variant has not been reported in the literature in individuals affected with TTN-related conditions. This variant is located in the A band of TTN (PMID: 25589632). Truncating variants in this region are significantly overrepresented in patients affected with dilated cardiomyopathy (PMID: 25589632). Truncating variants in this region have also been reported in individuals affected with autosomal recessive centronuclear myopathy (PMID: 23975875). In summary, the currently available evidence indicates that the variant is pathogenic, but additional data are needed to prove that conclusively. Therefore, this variant has been classified as Likely Pathogenic.

Literature cited by the submitters: PubMed 25589632; PubMed 23975875.

NM_001267550.2(TTN):c.58750del (p.Asp19584fs)

Genes: TTN (titin; minus strand), TTN-AS1 (TTN antisense RNA 1; plus strand). Cytogenetic location: 2q31.2.
Variant type: Deletion.
Coding change: c.58750del on transcript NM_001267550.2 (MANE Select); coding-DNA position 58750, one base deleted (G; older notation c.58750delG).
Protein change: p.Asp19584fs; shifts the reading frame from aspartic acid 19584.
Molecular consequence: frameshift variant.
Genome position (GRCh38, 1-based): chr2:178,593,458, C deleted on the plus strand (G on the coding strand, the reverse complement: TTN is on the minus strand). VCF-style (leftmost placement, unchanged base first): chr2-178593457-TC-T. GRCh37 (hg19) VCF-style: chr2-179458184-TC-T.
Other names: c.53827del, p.Asp17943fs (NM_001256850.1); c.31555del, p.Asp10519fs (NM_003319.4); c.51046del, p.Asp17016fs (NM_133378.4); c.31930del, p.Asp10644fs (NM_133432.3); c.32131del, p.Asp10711fs (NM_133437.4); short protein forms D10644fs, D10519fs, D17943fs, D17016fs, D19584fs, D10711fs.
Identifiers: ClinVar variation 4785034 (VCV004785034.1).
Genomic context (GRCh38, chr2:178,593,457, plus strand): 5'-TGTGGCTTATTCCAGGTTACTAATGCAGAGTCTTTGGTAACTTCTGTAACAATTGGCTGA[TC>T]AGGTGCATCAGGAACCCCTGTAACAAATGTTGGAAAATGCGTTAGAAATTTATTTCTTTA-3'